The following is an entry in ClinVar:

NM_000719.7(CACNA1C):c.5431C>T (p.Leu1811Phe)

Genes: CACNA1C (calcium voltage-gated channel subunit alpha1 C; plus strand), CACNA1C-AS1 (CACNA1C antisense RNA 1; minus strand). Cytogenetic location: 12p13.33.
Variant type: single nucleotide variant.
Coding change: c.5431C>T on transcript NM_000719.7 (MANE Select); coding-DNA position 5431, C replaced by T.
Protein change: p.Leu1811Phe; replaces leucine 1811 with phenylalanine.
Molecular consequence: missense variant.
Genome position (GRCh38, 1-based): chr12:2,679,783, C>T. VCF-style: chr12-2679783-C-T. GRCh37 (hg19) VCF-style: chr12-2788949-C-T.
Other names: c.5575C>T, p.Leu1859Phe (NM_001129827.2, NM_199460.4); c.5554C>T, p.Leu1852Phe (NM_001129829.2); c.5431C>T, p.Leu1811Phe (NM_001129830.3, NM_001129840.2, NM_001129841.2 and 4 more transcripts); c.5515C>T, p.Leu1839Phe (NM_001129831.2); c.5491C>T, p.Leu1831Phe (NM_001129832.2); c.5488C>T, p.Leu1830Phe (NM_001129833.2, NM_001129834.2, NM_001129835.2); c.5482C>T, p.Leu1828Phe (NM_001129836.2); c.5455C>T, p.Leu1819Phe (NM_001129837.2, NM_001129838.2); and 3 more; short protein forms L1852F, L1828F, L1859F, L1830F, L1839F, L1800F, L1808F, L1811F.
Identifiers: ClinVar variation 1747501 (VCV001747501.3), dbSNP rs1469027292, ClinGen allele CA383379322.

ClinVar aggregate classification (germline): Uncertain significance (1 of 4 stars; one submission).

Conditions:
Cardiovascular phenotype. Identifiers: MedGen CN230736.

Allele frequency attached by ClinVar (database versions not stated): gnomAD exomes below 0.00001.
gnomAD v4.1: 1 of 1,566,634 alleles (0.000064%); highest among the groups gnomAD compares: South Asian, 0.0012%; no homozygotes.

Submission:

Ambry Genetics
Classification: Uncertain significance for Cardiovascular phenotype. Last evaluated: 2024-11-26. Review status: criteria provided, single submitter. Criteria: Ambry Variant Classification Scheme 2023. Collection method: clinical testing. Allele origin: germline.
Comment: The p.L1811F variant (also known as c.5431C>T), located in coding exon 42 of the CACNA1C gene, results from a C to T substitution at nucleotide position 5431. The leucine at codon 1811 is replaced by phenylalanine, an amino acid with highly similar properties. This amino acid position is well conserved in available vertebrate species. In addition, this alteration is predicted to be tolerated by in silico analysis. Since supporting evidence is limited at this time, the clinical significance of this alteration remains unclear.